The following is an entry in ClinVar:

ClinVar aggregate classification (germline): Benign/Likely benign. Review status: criteria provided, multiple submitters, no conflicts (2 of 4 stars). 12 submissions from 12 submitters: Benign (5); Likely benign (3). 4 of the submissions do not count toward it. Last evaluated 2026-02-01.

Conditions:
Fanconi anemia complementation group P. Also called: SLX4-Related Fanconi Anemia. Identifiers: Orphanet 84, MedGen C3469542, MONDO:0013499, OMIM 613951.
Fanconi anemia (FA). Also called: Fanconi's anemia. Identifiers: Orphanet 84, MedGen C0015625, MeSH D005199, MONDO:0019391.

Allele frequency attached by ClinVar (database versions not stated): gnomAD exomes 0.00474; ExAC 0.00505; 1000 Genomes Project 30x 0.00578; 1000 Genomes Project 0.00599; gnomAD 0.00803 and 0.00848; TOPMed 0.00832; ESP Exome Variant Server 0.00924.
gnomAD v4.1: 8,450 of 1,614,176 alleles (0.52%); highest among the groups gnomAD compares: African/African-American, 1.6%; 32 homozygotes.

Submissions (12):

Labcorp Genetics (formerly Invitae), Labcorp
Classification: Benign for Fanconi anemia. Last evaluated: 2026-02-01. Review status: criteria provided, single submitter. Criteria: Invitae Variant Classification Sherloc (09022015). Collection method: clinical testing. Allele origin: germline.

ARUP Laboratories, Molecular Genetics and Genomics, ARUP Laboratories
Classification: Benign for Fanconi anemia complementation group P. Last evaluated: 2025-02-28. Review status: criteria provided, single submitter. Criteria: ARUP Molecular Germline Variant Investigation Process 2024. Collection method: clinical testing. Allele origin: germline.

Blueprint Genetics
Classification: Likely benign. Last evaluated: 2024-11-26. Review status: criteria provided, single submitter. Criteria: ACMG Guidelines, 2015. Collection method: clinical testing. Allele origin: germline.

KCCC/NGS Laboratory, Kuwait Cancer Control Center
Classification: Benign for Fanconi anemia complementation group P. Last evaluated: 2023-07-07. Review status: criteria provided, single submitter. Criteria: ACMG Guidelines, 2015. Collection method: clinical testing. Allele origin: germline. Affected: yes.

Illumina Laboratory Services, Illumina
Classification: Benign for Fanconi anemia complementation group P. Last evaluated: 2017-04-27. Review status: criteria provided, single submitter. Criteria: ICSL Variant Classification Criteria 13 December 2019. Collection method: clinical testing. Allele origin: germline.
Comment: This variant was observed as part of a predisposition screen in an ostensibly healthy population. A literature search was performed for the gene, cDNA change, and amino acid change (where applicable). No publications were found based on this search. Allele frequency data from public databases was too high to be consistent with this variant causing disease. Therefore, this variant is classified as benign.

Center for Pediatric Genomic Medicine, Children's Mercy Hospital and Clinics
Classification: Likely benign. Last evaluated: 2017-01-05. Review status: criteria provided, single submitter. Criteria: ACMG Guidelines, 2015. Collection method: clinical testing. Allele origin: germline.
ClinVar note: Converted during submission from Likely Benign to Likely benign.

Genetic Services Laboratory, University of Chicago
Classification: Benign. Last evaluated: 2016-12-07. Review status: criteria provided, single submitter. Criteria: ACMG Guidelines, 2015. Collection method: clinical testing. Allele origin: germline. Affected: no.

Breakthrough Genomics
Classification: Likely benign. Review status: criteria provided, single submitter. Criteria: ACMG Guidelines, 2015. Collection method: not provided. Allele origin: germline. Inheritance: Autosomal recessive inheritance. Affected: yes.

Leiden Open Variation Database
Classification: Likely benign. Last evaluated: 2012-08-31. Review status: no assertion criteria provided. Collection method: curation. Allele origin: germline. Affected: yes. Not counted in ClinVar's aggregate classification.
Comment: Curator: Arleen D. Auerbach. Submitter to LOVD: Janine Bakker.

Clinical Genetics DNA and cytogenetics Diagnostics Lab, Erasmus MC, Erasmus Medical Center
Classification: Benign. Review status: no assertion criteria provided. Collection method: clinical testing. Allele origin: germline. Affected: yes. Study: VKGL Data-share Consensus. Not counted in ClinVar's aggregate classification.

Genome Diagnostics Laboratory, Amsterdam University Medical Center
Classification: Benign. Review status: no assertion criteria provided. Collection method: clinical testing. Allele origin: germline. Affected: yes. Study: VKGL Data-share Consensus. Not counted in ClinVar's aggregate classification.

Laboratory of Diagnostic Genome Analysis, Leiden University Medical Center (LUMC)
Classification: Benign. Review status: no assertion criteria provided. Collection method: clinical testing. Allele origin: germline. Affected: yes. Study: VKGL Data-share Consensus. Not counted in ClinVar's aggregate classification.

Literature cited by the submitters: PubMed 22911665 (cited by Leiden Open Variation Database).

NM_032444.4(SLX4):c.710G>A (p.Arg237Gln)

Gene: SLX4 (SLX4 structure-specific endonuclease subunit; minus strand). Cytogenetic location: 16p13.3.
Variant type: single nucleotide variant.
Coding change: c.710G>A on transcript NM_032444.4 (MANE Select); coding-DNA position 710, G replaced by A.
Protein change: p.Arg237Gln; replaces arginine 237 with glutamine.
Molecular consequence: missense variant.
Genome position (GRCh38, 1-based): chr16:3,606,524, C>T on the plus strand (G>A on the coding strand, the complement: SLX4 is on the minus strand). VCF-style: chr16-3606524-C-T. GRCh37 (hg19) VCF-style: chr16-3656525-C-T.
Other names: c.710G>A (LRG_503t1, NM_032444.3); short protein forms R237Q.
Identifiers: ClinVar variation 212222 (VCV000212222.30), dbSNP rs138615800, ClinGen allele CA209818.